The following is an entry in ClinVar:

NM_022455.5(NSD1):c.7331A>G (p.Gln2444Arg)

Gene: NSD1 (nuclear receptor binding SET domain protein 1; plus strand). Cytogenetic location: 5q35.3.
Variant type: single nucleotide variant.
Coding change: c.7331A>G on transcript NM_022455.5 (MANE Select); coding-DNA position 7331, A replaced by G.
Protein change: p.Gln2444Arg; replaces glutamine 2444 with arginine.
Molecular consequence: missense variant.
Genome position (GRCh38, 1-based): chr5:177,294,699, A>G. VCF-style: chr5-177294699-A-G. GRCh37 (hg19) VCF-style: chr5-176721700-A-G.
Other names: c.6458A>G, p.Gln2153Arg (NM_001365684.2, NM_001409308.1, NM_172349.5); c.7331A>G, p.Gln2444Arg (NM_001409301.1, NM_001409302.1, NM_001409303.1); c.6911A>G, p.Gln2304Arg (NM_001409304.1); c.6578A>G, p.Gln2193Arg (NM_001409305.1); c.6569A>G, p.Gln2190Arg (NM_001409306.1, NM_001409307.1); c.6209A>G, p.Gln2070Arg (NM_001409309.1); short protein forms Q2175R, Q2444R, Q2190R, Q2070R, Q2193R, Q2153R, Q2304R.
Identifiers: ClinVar variation 1023719 (VCV001023719.11), dbSNP rs921266576, ClinGen allele CA132863038.
Genomic context (GRCh38, chr5:177,294,699, plus strand): 5'-TACTATCAGCTGTGGTCCAGACCCTTGTAGCTAAAGAAAAAGCACTGAGGCCTGTGGACC[A>G]GAATACTCAGTCAAAAAATAGAGCTGCTTTGGTGATGGATCTCATAGACCTAACTCCTCG-3'
Protein context (NP_071900.2, residues 2434-2454): AKEKALRPVD[Gln2444Arg]NTQSKNRAAL

ClinVar aggregate classification (germline): Conflicting classifications of pathogenicity. Review status: criteria provided, conflicting classifications (1 of 4 stars). 3 submissions from 3 submitters: Uncertain significance (2); Benign (1). Last evaluated 2024-10-24.

Conditions:
Sotos syndrome (SOTOS). Also called: Sotos' syndrome; CHROMOSOME 5q35 DELETION SYNDROME; SOTOS SYNDROME 1; Distinctive facial appearance, overgrowth in childhood, and learning disabilities or delayed development; CEREBRAL GIGANTISM. Identifiers: Orphanet 821, MedGen C0175695, MONDO:0019349, OMIM 117550.

Allele frequency attached by ClinVar (database versions not stated): gnomAD exomes 0.00001 and 0.00003; TOPMed 0.00002; gnomAD 0.00001.
gnomAD v4.1: 39 of 1,614,136 alleles (0.0024%); highest among the groups gnomAD compares: Non-Finnish European, 0.0031%; no homozygotes.

Submissions (3):

Labcorp Genetics (formerly Invitae), Labcorp
Classification: Benign. Last evaluated: 2024-10-24. Review status: criteria provided, single submitter. Criteria: Invitae Variant Classification Sherloc (09022015). Collection method: clinical testing. Allele origin: germline.

Clinical Genomics Laboratory, Washington University in St. Louis
Classification: Uncertain significance for Sotos syndrome. Last evaluated: 2024-03-26. Review status: criteria provided, single submitter. Criteria: ACMG Guidelines, 2015. Collection method: clinical testing. Allele origin: germline.
Comment: The NSD1 c.7331A>G (p.Gln2444Arg) variant, to our knowledge, has not been reported in the medical literature but has been reported in the ClinVar database as a germline variant of uncertain significance or likely benign variant. This variant is only observed on 4/282768 alleles in the general population (gnomAD v.2.1.1), indicating it is not a common variant. Computational predictors are uncertain as to the impact of this variant on NSD1 function and this variant does not occur within the SET domain. Due to limited information, and based on ACMG/AMP guidelines for variant interpretation (Richards S et al., PMID: 25741868), the clinical significance of this variant is uncertain at this time.

Fulgent Genetics
Classification: Uncertain significance for Sotos syndrome. Last evaluated: 2022-03-17. Review status: criteria provided, single submitter. Criteria: ACMG Guidelines, 2015. Collection method: clinical testing. Allele origin: unknown.